The following is an entry in ClinVar:

NM_000540.3(RYR1):c.6761T>C (p.Leu2254Pro)

Gene: RYR1 (ryanodine receptor 1; plus strand). Cytogenetic location: 19q13.2.
Variant type: single nucleotide variant.
Coding change: c.6761T>C on transcript NM_000540.3 (MANE Select); coding-DNA position 6761, T replaced by C.
Protein change: p.Leu2254Pro; replaces leucine 2254 with proline.
Molecular consequence: missense variant.
Genome position (GRCh38, 1-based): chr19:38,496,506, T>C. VCF-style: chr19-38496506-T-C. GRCh37 (hg19) VCF-style: chr19-38987146-T-C.
Other names: c.6761T>C, p.Leu2254Pro (NM_001042723.2); short protein forms L2254P.
Identifiers: ClinVar variation 1421756 (VCV001421756.5), dbSNP rs948875754, ClinGen allele CA308104454.

ClinVar aggregate classification (germline): Uncertain significance (1 of 4 stars; one submission).

Conditions:
RYR1-related disorder. Also called: RYR1-related condition; RYR1-related disorders. Identifiers: MedGen CN239331.

Allele frequency attached by ClinVar (database versions not stated): gnomAD exomes 0.00001.
gnomAD v4.1: 8 of 1,613,496 alleles (0.0005%); highest among the groups gnomAD compares: Non-Finnish European, 0.00068%; no homozygotes.

Submission:

Labcorp Genetics (formerly Invitae), Labcorp
Classification: Uncertain significance for RYR1-related disorder. Last evaluated: 2021-08-28. Review status: criteria provided, single submitter. Criteria: Invitae Variant Classification Sherloc (09022015). Collection method: clinical testing. Allele origin: germline.
Comment: This sequence change replaces leucine with proline at codon 2254 of the RYR1 protein (p.Leu2254Pro). The leucine residue is highly conserved and there is a moderate physicochemical difference between leucine and proline. This variant is not present in population databases (ExAC no frequency). This variant has not been reported in the literature in individuals affected with RYR1-related conditions. Advanced modeling of protein sequence and biophysical properties (such as structural, functional, and spatial information, amino acid conservation, physicochemical variation, residue mobility, and thermodynamic stability) performed at Invitae indicates that this missense variant is expected to disrupt RYR1 protein function. In summary, the available evidence is currently insufficient to determine the role of this variant in disease. Therefore, it has been classified as a Variant of Uncertain Significance.